The following is an entry in ClinVar:

NM_001250.6(CD40):c.335C>A (p.Thr112Lys)

Gene: CD40 (CD40 molecule; plus strand). Cytogenetic location: 20q13.12.
Variant type: single nucleotide variant.
Coding change: c.335C>A on transcript NM_001250.6 (MANE Select); coding-DNA position 335, C replaced by A.
Protein change: p.Thr112Lys; replaces threonine 112 with lysine.
Molecular consequence: missense variant. On other transcripts: non-coding transcript variant (2).
Genome position (GRCh38, 1-based): chr20:46,122,688, C>A. VCF-style: chr20-46122688-C-A. GRCh37 (hg19) VCF-style: chr20-44751327-C-A.
Other names: c.335C>A, p.Thr112Lys (NM_001302753.2, NM_001322421.2, NM_001322422.2 and 3 more transcripts); short protein forms T112K.
Identifiers: ClinVar variation 3713993 (VCV003713993.3).

ClinVar aggregate classification (germline): Uncertain significance. Review status: criteria provided, multiple submitters, no conflicts (2 of 4 stars). 2 submissions from 2 submitters: Uncertain significance (2). Last evaluated 2025-03-13.

Conditions:
Inborn genetic diseases. Identifiers: MedGen C0950123, MeSH D030342.

gnomAD v4.1: 9 of 1,614,126 alleles (0.00056%); highest among the groups gnomAD compares: South Asian, 0.0011%; no homozygotes.

Submissions (2):

Labcorp Genetics (formerly Invitae), Labcorp
Classification: Uncertain significance. Last evaluated: 2025-03-13. Review status: criteria provided, single submitter. Criteria: Invitae Variant Classification Sherloc (09022015). Collection method: clinical testing. Allele origin: germline.
Comment: This sequence change replaces threonine, which is neutral and polar, with lysine, which is basic and polar, at codon 112 of the CD40 protein (p.Thr112Lys). This variant is present in population databases (rs779810076, gnomAD 0.003%). This variant has not been reported in the literature in individuals affected with CD40-related conditions. Invitae Evidence Modeling of protein sequence and biophysical properties (such as structural, functional, and spatial information, amino acid conservation, physicochemical variation, residue mobility, and thermodynamic stability) indicates that this missense variant is not expected to disrupt CD40 protein function with a negative predictive value of 80%. In summary, the available evidence is currently insufficient to determine the role of this variant in disease. Therefore, it has been classified as a Variant of Uncertain Significance.

Ambry Genetics
Classification: Uncertain significance for Inborn genetic diseases. Last evaluated: 2025-01-15. Review status: criteria provided, single submitter. Criteria: Ambry Variant Classification Scheme 2023. Collection method: clinical testing. Allele origin: germline.